The following is an entry in ClinVar:

ClinVar aggregate classification (germline): Uncertain significance (1 of 4 stars; one submission).

Conditions:
Intellectual disability, autosomal recessive 53 (NEDHSCA). Also called: NEURODEVELOPMENTAL DISORDER WITH OR WITHOUT HYPOTONIA, SEIZURES, AND CEREBELLAR ATROPHY; GLYCOSYLPHOSPHATIDYLINOSITOL BIOSYNTHESIS DEFECT 13; Mental retardation, autosomal recessive 53. Identifiers: Orphanet 488635, MedGen C4310794, MONDO:0014832, OMIM 616917.

Submission:

Labcorp Genetics (formerly Invitae), Labcorp
Classification: Uncertain significance for Intellectual disability, autosomal recessive 53. Last evaluated: 2021-08-12. Review status: criteria provided, single submitter. Criteria: Invitae Variant Classification Sherloc (09022015). Collection method: clinical testing. Allele origin: germline.
Comment: This variant results in a copy number gain of the genomic region encompassing exon(s) 1-5 of the PIGG gene. This region includes the initiator codon of the gene. This copy number gain extends beyond the assayed region for this gene and therefore may encompass additional genes. As the precise location of this event is unknown, it may be in tandem or it may be located elsewhere in the genome. This variant has not been reported in the literature in individuals affected with PIGG-related conditions. In summary, the available evidence is currently insufficient to determine the role of this variant in disease. Therefore, it has been classified as a Variant of Uncertain Significance.

NC_000004.11:g.(?_124553)_(502759_?)dup

Genes: PIGG (phosphatidylinositol glycan anchor biosynthesis class G (EMM blood group); plus strand), ZNF141 (zinc finger protein 141; plus strand), ZNF718 (zinc finger protein 718; plus strand), ZNF721 (zinc finger protein 721; minus strand), ZNF732 (zinc finger protein 732; minus strand). Cytogenetic location: 4p16.3.
Variant type: Duplication.
Identifiers: ClinVar variation 1511339 (VCV001511339.7).